The following is an entry in ClinVar:

NM_001843.4(CNTN1):c.203G>A (p.Arg68Gln)

Gene: CNTN1 (contactin 1; plus strand). Cytogenetic location: 12q12.
Variant type: single nucleotide variant.
Coding change: c.203G>A on transcript NM_001843.4 (MANE Select); coding-DNA position 203, G replaced by A.
Protein change: p.Arg68Gln; replaces arginine 68 with glutamine.
Molecular consequence: missense variant.
Genome position (GRCh38, 1-based): chr12:40,918,747, G>A. VCF-style: chr12-40918747-G-A. GRCh37 (hg19) VCF-style: chr12-41312549-G-A.
Other names: c.203G>A, p.Arg68Gln (NM_001256063.2, NM_001256064.2); c.170G>A, p.Arg57Gln (NM_175038.2); short protein forms R57Q, R68Q.
Identifiers: ClinVar variation 1406048 (VCV001406048.6), dbSNP rs2136857338, ClinGen allele CA384421761.

ClinVar aggregate classification (germline): Uncertain significance (1 of 4 stars; one submission).

Conditions:
Compton-North congenital myopathy (CMYO12). Identifiers: Orphanet 210163, MedGen C2675527, MONDO:0012929, OMIM 612540.

Allele frequency attached by ClinVar (database versions not stated): gnomAD exomes below 0.00001.
gnomAD v4.1: 6 of 1,613,680 alleles (0.00037%); highest among the groups gnomAD compares: African/African-American, 0.0013%; no homozygotes.

Submission:

Labcorp Genetics (formerly Invitae), Labcorp
Classification: Uncertain significance for Compton-North congenital myopathy. Last evaluated: 2022-11-01. Review status: criteria provided, single submitter. Criteria: Invitae Variant Classification Sherloc (09022015). Collection method: clinical testing. Allele origin: germline.
Comment: This variant is not present in population databases (gnomAD no frequency). In summary, the available evidence is currently insufficient to determine the role of this variant in disease. Therefore, it has been classified as a Variant of Uncertain Significance. Advanced modeling of protein sequence and biophysical properties (such as structural, functional, and spatial information, amino acid conservation, physicochemical variation, residue mobility, and thermodynamic stability) performed at Invitae indicates that this missense variant is not expected to disrupt CNTN1 protein function. ClinVar contains an entry for this variant (Variation ID: 1406048). This variant has not been reported in the literature in individuals affected with CNTN1-related conditions. This sequence change replaces arginine, which is basic and polar, with glutamine, which is neutral and polar, at codon 68 of the CNTN1 protein (p.Arg68Gln).